The following is an entry in ClinVar:

NM_005993.5(TBCD):c.2469G>A (p.Ala823=)

Gene: TBCD (tubulin folding cofactor D). Cytogenetic location: 17q25.3.
Variant type: single nucleotide variant.
Coding change: c.2469G>A on transcript NM_005993.5 (MANE Select); coding-DNA position 2469, G replaced by A.
Protein change: p.Ala823=; no amino-acid change (alanine 823 retained).
Molecular consequence: synonymous variant.
Genome position (GRCh38, 1-based): chr17:82,926,489, G>A. VCF-style: chr17-82926489-G-A. GRCh37 (hg19) VCF-style: chr17-80884365-G-A.
Other names: c.2418G>A, p.Ala806= (NM_001411101.1); c.2388G>A, p.Ala796= (NM_001411102.1); c.2469G>A (NM_005993.4).
Identifiers: ClinVar variation 2995011 (VCV002995011.6), dbSNP rs774817806, ClinGen allele CA8863061.

ClinVar aggregate classification (germline): Likely benign. Review status: criteria provided, multiple submitters, no conflicts (2 of 4 stars). 3 submissions from 3 submitters: Likely benign (2). 1 of the submissions does not count toward it. Last evaluated 2024-11-14.

Conditions:
TBCD-related disorder. Also called: TBCD-related condition.

Allele frequency attached by ClinVar (database versions not stated): ExAC 0.00001; TOPMed 0.00002; gnomAD 0.00003.
gnomAD v4.1: 43 of 1,613,748 alleles (0.0027%); highest among the groups gnomAD compares: South Asian, 0.0055%; no homozygotes.

Submissions (3):

Blueprint Genetics
Classification: Likely benign. Last evaluated: 2024-11-14. Review status: criteria provided, single submitter. Criteria: ACMG Guidelines, 2015. Collection method: clinical testing. Allele origin: germline.

Labcorp Genetics (formerly Invitae), Labcorp
Classification: Likely benign. Last evaluated: 2024-03-14. Review status: criteria provided, single submitter. Criteria: Invitae Variant Classification Sherloc (09022015). Collection method: clinical testing. Allele origin: germline.

PreventionGenetics, part of Exact Sciences
Classification: Likely benign for TBCD-related condition. Last evaluated: 2023-06-29. Review status: no assertion criteria provided. Collection method: clinical testing. Allele origin: germline. Not counted in ClinVar's aggregate classification.
Comment: This variant is classified as likely benign based on ACMG/AMP sequence variant interpretation guidelines (Richards et al. 2015 PMID: 25741868, with internal and published modifications).